The following is an entry in ClinVar:

ClinVar aggregate classification (germline): Conflicting classifications of pathogenicity. Review status: criteria provided, conflicting classifications (1 of 4 stars). 4 submissions from 4 submitters: Uncertain significance (3); Likely benign (1). Last evaluated 2025-09-04.

Conditions:
Inborn genetic diseases. Identifiers: MedGen C0950123, MeSH D030342.
Combined oxidative phosphorylation defect type 8. Also called: CARDIOMYOPATHY, HYPERTROPHIC MITOCHONDRIAL, FATAL INFANTILE. Identifiers: Orphanet 319504, MedGen C4518839, MONDO:0013570, OMIM 614096.

Allele frequency attached by ClinVar (database versions not stated): gnomAD exomes 0.00007; ESP Exome Variant Server 0.00008; ExAC 0.00009; TOPMed 0.00010; gnomAD 0.00011 and 0.00014.
gnomAD v4.1: 127 of 1,613,952 alleles (0.0079%); highest among the groups gnomAD compares: African/African-American, 0.019%; no homozygotes.

Submissions (4):

Labcorp Genetics (formerly Invitae), Labcorp
Classification: Likely benign. Last evaluated: 2025-09-04. Review status: criteria provided, single submitter. Criteria: Invitae Variant Classification Sherloc (09022015). Collection method: clinical testing. Allele origin: germline.

Ambry Genetics
Classification: Uncertain significance for Inborn genetic diseases. Last evaluated: 2025-06-18. Review status: criteria provided, single submitter. Criteria: Ambry Variant Classification Scheme 2023. Collection method: clinical testing. Allele origin: germline.

GeneDx
Classification: Uncertain significance. Last evaluated: 2023-03-14. Review status: criteria provided, single submitter. Criteria: GeneDx Variant Classification Process June 2021. Collection method: clinical testing. Allele origin: germline. Affected: yes.
Comment: In silico analysis supports that this missense variant does not alter protein structure/function; Has not been previously published as pathogenic or benign to our knowledge

Illumina Laboratory Services, Illumina
Classification: Uncertain significance for Combined oxidative phosphorylation defect type 8. Last evaluated: 2018-01-13. Review status: criteria provided, single submitter. Criteria: ICSL Variant Classification Criteria 13 December 2019. Collection method: clinical testing. Allele origin: germline.

NM_020745.4(AARS2):c.785G>A (p.Arg262Gln)

Gene: AARS2 (alanyl-tRNA synthetase 2, mitochondrial; minus strand). Cytogenetic location: 6p21.1.
Variant type: single nucleotide variant.
Coding change: c.785G>A on transcript NM_020745.4 (MANE Select); coding-DNA position 785, G replaced by A.
Protein change: p.Arg262Gln; replaces arginine 262 with glutamine.
Molecular consequence: missense variant.
Genome position (GRCh38, 1-based): chr6:44,310,408, C>T on the plus strand (G>A on the coding strand, the complement: AARS2 is on the minus strand). VCF-style: chr6-44310408-C-T. GRCh37 (hg19) VCF-style: chr6-44278145-C-T.
Other names: c.785G>A (NM_020745.2); short protein forms R262Q.
Identifiers: ClinVar variation 357079 (VCV000357079.17), dbSNP rs139974034, ClinGen allele CA3834551.